The following is an entry in ClinVar:

ClinVar aggregate classification (germline): Uncertain significance. Review status: criteria provided, multiple submitters, no conflicts (2 of 4 stars). 2 submissions from 2 submitters: Uncertain significance (2). Last evaluated 2021-08-24.

Conditions:
Inborn genetic diseases. Identifiers: MedGen C0950123, MeSH D030342.
Giant axonal neuropathy 1 (GAN1). Also called: GIANT AXONAL NEUROPATHY 1, AUTOSOMAL RECESSIVE; GAN-Related Neurodegeneration. Identifiers: Orphanet 643, MedGen C1850386, MONDO:0009749, OMIM 256850.

Allele frequency attached by ClinVar (database versions not stated): gnomAD exomes 0.00001; ExAC 0.00002; ESP Exome Variant Server 0.00008.
gnomAD v4.1: 10 of 1,550,016 alleles (0.00065%); highest among the groups gnomAD compares: Non-Finnish European, 0.0008%; no homozygotes.

Submissions (2):

Labcorp Genetics (formerly Invitae), Labcorp
Classification: Uncertain significance for Giant axonal neuropathy 1. Last evaluated: 2021-08-24. Review status: criteria provided, single submitter. Criteria: Invitae Variant Classification Sherloc (09022015). Collection method: clinical testing. Allele origin: germline.
Comment: This sequence change replaces valine with leucine at codon 82 of the GAN protein (p.Val82Leu). The valine residue is moderately conserved and there is a small physicochemical difference between valine and leucine. This variant is present in population databases (rs371054532, ExAC 0.004%). This variant has not been reported in the literature in individuals affected with GAN-related conditions. ClinVar contains an entry for this variant (Variation ID: 660928). Algorithms developed to predict the effect of missense changes on protein structure and function (SIFT, PolyPhen-2, Align-GVGD) all suggest that this variant is likely to be tolerated. In summary, the available evidence is currently insufficient to determine the role of this variant in disease. Therefore, it has been classified as a Variant of Uncertain Significance.

Ambry Genetics
Classification: Uncertain significance for Inborn genetic diseases. Last evaluated: 2019-10-14. Review status: criteria provided, single submitter. Criteria: Ambry Variant Classification Scheme 2023. Collection method: clinical testing. Allele origin: germline.
Comment: The p.V82L variant (also known as c.244G>C), located in coding exon 2 of the GAN gene, results from a G to C substitution at nucleotide position 244. The valine at codon 82 is replaced by leucine, an amino acid with highly similar properties. This amino acid position is not well conserved in available vertebrate species. In addition, this alteration is predicted to be tolerated by in silico analysis. Since supporting evidence is limited at this time, the clinical significance of this alteration remains unclear.

NM_022041.4(GAN):c.244G>C (p.Val82Leu)

Gene: GAN (gigaxonin; plus strand). Cytogenetic location: 16q23.2.
Variant type: single nucleotide variant.
Coding change: c.244G>C on transcript NM_022041.4 (MANE Select); coding-DNA position 244, G replaced by C.
Protein change: p.Val82Leu; replaces valine 82 with leucine.
Molecular consequence: missense variant. On other transcripts: intron variant (1).
Genome position (GRCh38, 1-based): chr16:81,351,659, G>C. VCF-style: chr16-81351659-G-C. GRCh37 (hg19) VCF-style: chr16-81385264-G-C.
Other names: c.-357-2746G>C (NM_001377486.1); short protein forms V82L.
Identifiers: ClinVar variation 660928 (VCV000660928.7), dbSNP rs371054532, ClinGen allele CA8191297.